The following is an entry in ClinVar:

ClinVar aggregate classification (germline): Uncertain significance. Review status: criteria provided, multiple submitters, no conflicts (2 of 4 stars). 2 submissions from 2 submitters: Uncertain significance (2). Last evaluated 2024-03-13.

Conditions:
Hereditary cancer-predisposing syndrome. Also called: Tumor predisposition; Hereditary neoplastic syndrome; Neoplastic Syndromes, Hereditary; Hereditary Cancer Syndrome. Identifiers: Orphanet 140162, MedGen C0027672, MeSH D009386, MONDO:0015356.
Hereditary nonpolyposis colorectal neoplasms. Identifiers: MedGen C0009405, MeSH D003123.

Allele frequency attached by ClinVar (database versions not stated): TOPMed below 0.00001.

Submissions (2):

Ambry Genetics
Classification: Uncertain significance for Hereditary cancer-predisposing syndrome. Last evaluated: 2024-03-13. Review status: criteria provided, single submitter. Criteria: Ambry Variant Classification Scheme 2023. Collection method: clinical testing. Allele origin: germline.
Comment: The p.I143V variant (also known as c.427A>G), located in coding exon 5 of the PMS2 gene, results from an A to G substitution at nucleotide position 427. The isoleucine at codon 143 is replaced by valine, an amino acid with highly similar properties. This amino acid position is conserved. In addition, this alteration is predicted to be tolerated by in silico analysis. Based on the available evidence, the clinical significance of this alteration remains unclear.

Labcorp Genetics (formerly Invitae), Labcorp
Classification: Uncertain significance for Hereditary nonpolyposis colorectal neoplasms. Last evaluated: 2023-07-19. Review status: criteria provided, single submitter. Criteria: Invitae Variant Classification Sherloc (09022015). Collection method: clinical testing. Allele origin: germline.
Comment: This sequence change replaces isoleucine, which is neutral and non-polar, with valine, which is neutral and non-polar, at codon 143 of the PMS2 protein (p.Ile143Val). This variant is not present in population databases (gnomAD no frequency). This variant has not been reported in the literature in individuals affected with PMS2-related conditions. ClinVar contains an entry for this variant (Variation ID: 960970). Advanced modeling of protein sequence and biophysical properties (such as structural, functional, and spatial information, amino acid conservation, physicochemical variation, residue mobility, and thermodynamic stability) performed at Invitae indicates that this missense variant is not expected to disrupt PMS2 protein function. In summary, the available evidence is currently insufficient to determine the role of this variant in disease. Therefore, it has been classified as a Variant of Uncertain Significance.

NM_000535.7(PMS2):c.427A>G (p.Ile143Val)

Gene: PMS2 (PMS1 homolog 2, mismatch repair system component; minus strand). Cytogenetic location: 7p22.1.
Variant type: single nucleotide variant.
Coding change: c.427A>G on transcript NM_000535.7 (MANE Select); coding-DNA position 427, A replaced by G.
Protein change: p.Ile143Val; replaces isoleucine 143 with valine.
Molecular consequence: missense variant. On other transcripts: 5 prime UTR variant (2), non-coding transcript variant (1).
Genome position (GRCh38, 1-based): chr7:6,002,563, T>C on the plus strand (A>G on the coding strand, the complement: PMS2 is on the minus strand). VCF-style: chr7-6002563-T-C. GRCh37 (hg19) VCF-style: chr7-6042194-T-C.
Other names: c.22A>G, p.Ile8Val (NM_001322003.2, NM_001322004.2, NM_001322005.2 and 3 more transcripts); c.427A>G, p.Ile143Val (NM_001322006.2, NM_001322014.2); c.109A>G, p.Ile37Val (NM_001322007.2, NM_001322008.2); c.-458A>G (NM_001322011.2, NM_001322012.2); c.118A>G, p.Ile40Val (NM_001322015.2); short protein forms I143V, I37V, I40V, I8V.
Identifiers: ClinVar variation 960970 (VCV000960970.10), dbSNP rs1785218471, ClinGen allele CA366744371.